The following is an entry in ClinVar:

ClinVar aggregate classification (germline): Likely benign (1 of 4 stars; one submission).

Submission:

CeGaT Center for Human Genetics Tuebingen
Classification: Likely benign. Last evaluated: 2023-05-01. Review status: criteria provided, single submitter. Criteria: CeGaT Center For Human Genetics Tuebingen Variant Classification Criteria Version 2. Collection method: clinical testing. Allele origin: germline. Affected: yes. Observed: 1 variant allele.
Comment: RTL1: PM2:Supporting, BP4, BP7

NM_001134888.3(RTL1):c.3492T>G (p.Ala1164=)

Gene: RTL1 (retrotransposon Gag like 1; minus strand). Cytogenetic location: 14q32.2.
Variant type: single nucleotide variant.
Coding change: c.3492T>G on transcript NM_001134888.3 (MANE Select); coding-DNA position 3492, T replaced by G.
Protein change: p.Ala1164=; no amino-acid change (alanine 1164 retained).
Molecular consequence: synonymous variant.
Genome position (GRCh38, 1-based): chr14:100,881,297, A>C on the plus strand (T>G on the coding strand, the complement: RTL1 is on the minus strand). VCF-style: chr14-100881297-A-C. GRCh37 (hg19) VCF-style: chr14-101347634-A-C.
Other names: c.3492T>G, p.Ala1164= (NM_001425285.1).
Identifiers: ClinVar variation 2644549 (VCV002644549.24), dbSNP rs2503964392, ClinGen allele CA488180700.
Genomic context (GRCh38, chr14:100,881,297, plus strand): 5'-TCGGTGGGCCTGGGAGTGCAGAGCATTTCGCTGCCAGCGGCCAGGGCCCAGGAACAGCTC[A>C]GCCAGCTCCTGGGCTGGGATGGTGTTTGCACCTACGAGAGCGGGCATCTGGGTGAGCAGC-3'
Protein context (NP_001128360.1, residues 1154-1174): GANTIPAQEL[Ala1164=]ELFLGPGRWQ